The following is an entry in ClinVar:

ClinVar aggregate classification (germline): Uncertain significance (1 of 4 stars; one submission).

gnomAD v4.1: 2 of 1,614,144 alleles (0.00012%); highest among the groups gnomAD compares: Admixed American, 0.0033%; no homozygotes.

Submission:

Labcorp Genetics (formerly Invitae), Labcorp
Classification: Uncertain significance. Last evaluated: 2025-01-29. Review status: criteria provided, single submitter. Criteria: Invitae Variant Classification Sherloc (09022015). Collection method: clinical testing. Allele origin: germline.
Comment: This sequence change replaces alanine, which is neutral and non-polar, with proline, which is neutral and non-polar, at codon 723 of the KIF23 protein (p.Ala723Pro). This variant is present in population databases (no rsID available, gnomAD 0.003%). This variant has not been reported in the literature in individuals affected with KIF23-related conditions. An algorithm developed to predict the effect of missense changes on protein structure and function (PolyPhen-2) suggests that this variant is likely to be disruptive. In summary, the available evidence is currently insufficient to determine the role of this variant in disease. Therefore, it has been classified as a Variant of Uncertain Significance.

NM_001367805.3(KIF23):c.2209G>C (p.Ala737Pro)

Gene: KIF23 (kinesin family member 23; plus strand). Cytogenetic location: 15q23.
Variant type: single nucleotide variant.
Coding change: c.2209G>C on transcript NM_001367805.3 (MANE Select); coding-DNA position 2209, G replaced by C.
Protein change: p.Ala737Pro; replaces alanine 737 with proline.
Molecular consequence: missense variant. On other transcripts: non-coding transcript variant (1), intron variant (1).
Genome position (GRCh38, 1-based): chr15:69,440,867, G>C. VCF-style: chr15-69440867-G-C. GRCh37 (hg19) VCF-style: chr15-69733206-G-C.
Other names: c.1837G>C, p.Ala613Pro (NM_001281301.2); c.2167G>C, p.Ala723Pro (NM_001367804.2, NM_138555.4); c.2067+380G>C (NM_004856.7); short protein forms A613P, A723P, A737P.
Identifiers: ClinVar variation 3617044 (VCV003617044.2).